The following is an entry in ClinVar:

NM_019120.5(PCDHB8):c.1921C>T (p.Leu641=)

Genes: PCDHB8 (protocadherin beta 8; plus strand), PCDHB@ (protocadherin beta cluster; plus strand). Cytogenetic location: 5q31.3.
Variant type: single nucleotide variant.
Coding change: c.1921C>T on transcript NM_019120.5 (MANE Select); coding-DNA position 1921, C replaced by T.
Protein change: p.Leu641=; no amino-acid change (leucine 641 retained).
Molecular consequence: synonymous variant.
Genome position (GRCh38, 1-based): chr5:141,179,955, C>T. VCF-style: chr5-141179955-C-T. GRCh37 (hg19) VCF-style: chr5-140559536-C-T.
Identifiers: ClinVar variation 2655818 (VCV002655818.24), dbSNP rs141755837, ClinGen allele CA3459857.

ClinVar aggregate classification (germline): Likely benign (1 of 4 stars; one submission).

Allele frequency attached by ClinVar (database versions not stated): gnomAD 0.00064; ExAC 0.00087; ESP Exome Variant Server 0.00103; gnomAD exomes 0.00058.

Submission:

CeGaT Center for Human Genetics Tuebingen
Classification: Likely benign. Last evaluated: 2023-03-01. Review status: criteria provided, single submitter. Criteria: CeGaT Center For Human Genetics Tuebingen Variant Classification Criteria Version 2. Collection method: clinical testing. Allele origin: germline. Affected: yes. Observed: 1 variant allele.
Comment: PCDHB8: BP4